The following is an entry in ClinVar:

ClinVar aggregate classification (germline): Uncertain significance (1 of 4 stars; one submission).

Conditions:
NPC1-related disorder. Also called: NPC1-related condition.

gnomAD v4.1: 1 of 1,614,062 alleles (0.000062%); highest among the groups gnomAD compares: African/African-American, 0.0013%; no homozygotes.

Submission:

PreventionGenetics, part of Exact Sciences
Classification: Uncertain significance for NPC1-related condition. Last evaluated: 2026-03-31. Review status: criteria provided, single submitter. Criteria: ACMG Guidelines, 2015. Collection method: clinical testing. Allele origin: germline.
Comment: The NPC1 c.2056G>T variant is predicted to result in the amino acid substitution p.Val686Leu. To our knowledge, this variant has not been reported in the literature. This variant is reported in 0.011% of alleles in individuals of African descent in gnomAD. At this time, the clinical significance of this variant is uncertain due to the absence of conclusive functional and genetic evidence.

NM_000271.5(NPC1):c.2056G>T (p.Val686Leu)

Gene: NPC1 (NPC intracellular cholesterol transporter 1; minus strand). Cytogenetic location: 18q11.2.
Variant type: single nucleotide variant.
Coding change: c.2056G>T on transcript NM_000271.5 (MANE Select); coding-DNA position 2056, G replaced by T.
Protein change: p.Val686Leu; replaces valine 686 with leucine.
Molecular consequence: missense variant.
Genome position (GRCh38, 1-based): chr18:23,544,418, C>A on the plus strand (G>T on the coding strand, the complement: NPC1 is on the minus strand). VCF-style: chr18-23544418-C-A. GRCh37 (hg19) VCF-style: chr18-21124382-C-A.
Other names: short protein forms V686L.
Identifiers: ClinVar variation 4995549 (VCV004995549.1).